The following is an entry in ClinVar:

NM_001018111.3(PODXL):c.1101+6T>C

Gene: PODXL (podocalyxin like; minus strand). Cytogenetic location: 7q32.3.
Variant type: single nucleotide variant.
Coding change: c.1101+6T>C on transcript NM_001018111.3 (MANE Select); 6 bases into the intron after coding-DNA position 1101, T replaced by C.
Molecular consequence: intron variant.
Genome position (GRCh38, 1-based): chr7:131,508,945, A>G on the plus strand (T>C on the coding strand, the complement: PODXL is on the minus strand). VCF-style: chr7-131508945-A-G. GRCh37 (hg19) VCF-style: chr7-131193704-A-G.
Other names: c.1005+6T>C (NM_005397.4).
Identifiers: ClinVar variation 2802533 (VCV002802533.3), dbSNP rs2485273812, ClinGen allele CA2739279401.

ClinVar aggregate classification (germline): Uncertain significance (1 of 4 stars; one submission).

Submission:

Labcorp Genetics (formerly Invitae), Labcorp
Classification: Uncertain significance. Last evaluated: 2024-01-26. Review status: criteria provided, single submitter. Criteria: Invitae Variant Classification Sherloc (09022015). Collection method: clinical testing. Allele origin: germline.
Comment: This sequence change falls in intron 4 of the PODXL gene. It does not directly change the encoded amino acid sequence of the PODXL protein. It affects a nucleotide within the consensus splice site. This variant is not present in population databases (gnomAD no frequency). This variant has not been reported in the literature in individuals affected with PODXL-related conditions. Variants that disrupt the consensus splice site are a relatively common cause of aberrant splicing (PMID: 17576681, 9536098). Algorithms developed to predict the effect of sequence changes on RNA splicing suggest that this variant may disrupt the consensus splice site. In summary, the available evidence is currently insufficient to determine the role of this variant in disease. Therefore, it has been classified as a Variant of Uncertain Significance.

Literature cited by the submitters: PubMed 17576681; PubMed 9536098.